The following is an entry in ClinVar:

NM_173354.5(SIK1):c.1782G>A (p.Thr594=)

Gene: SIK1 (salt inducible kinase 1; minus strand). Cytogenetic location: 21q22.3.
Variant type: single nucleotide variant.
Coding change: c.1782G>A on transcript NM_173354.5 (MANE Select); coding-DNA position 1782, G replaced by A.
Protein change: p.Thr594=; no amino-acid change (threonine 594 retained).
Molecular consequence: synonymous variant.
Genome position (GRCh38, 1-based): chr21:43,417,737, C>T on the plus strand (G>A on the coding strand, the complement: SIK1 is on the minus strand). VCF-style: chr21-43417737-C-T. GRCh37 (hg19) VCF-style: chr21-44837617-C-T.
Identifiers: ClinVar variation 476093 (VCV000476093.39), dbSNP rs548640382, ClinGen allele CA321324985.

ClinVar aggregate classification (germline): Benign/Likely benign. Review status: criteria provided, multiple submitters, no conflicts (2 of 4 stars). 4 submissions from 4 submitters: Benign (1); Likely benign (3). Last evaluated 2025-11-12.

Conditions:
Developmental and epileptic encephalopathy, 30 (DEE30). Also called: Epileptic encephalopathy, early infantile, 30. Identifiers: MedGen C4225360, MONDO:0014595, OMIM 616341.
Inborn genetic diseases. Identifiers: MedGen C0950123, MeSH D030342.

Allele frequency attached by ClinVar (database versions not stated): 1000 Genomes Project 0.00100; gnomAD 0.00002; gnomAD exomes 0.00003 and 0.00044; ExAC 0.00090.
gnomAD v4.1: 9 of 313,050 alleles (0.0029%); highest among the groups gnomAD compares: East Asian, 0.025%; 4 homozygotes.

Submissions (4):

Labcorp Genetics (formerly Invitae), Labcorp
Classification: Benign for Developmental and epileptic encephalopathy, 30. Last evaluated: 2025-11-12. Review status: criteria provided, single submitter. Criteria: Invitae Variant Classification Sherloc (09022015). Collection method: clinical testing. Allele origin: germline.

Blueprint Genetics
Classification: Likely benign. Last evaluated: 2024-11-18. Review status: criteria provided, single submitter. Criteria: ACMG Guidelines, 2015. Collection method: clinical testing. Allele origin: germline.

CeGaT Center for Human Genetics Tuebingen
Classification: Likely benign. Last evaluated: 2023-04-01. Review status: criteria provided, single submitter. Criteria: CeGaT Center For Human Genetics Tuebingen Variant Classification Criteria Version 2. Collection method: clinical testing. Allele origin: germline. Affected: yes. Observed: 1 variant allele.
Comment: SIK1: BP4, BP7

Ambry Genetics
Classification: Likely benign for Inborn genetic diseases. Last evaluated: 2017-10-31. Review status: criteria provided, single submitter. Criteria: Ambry Variant Classification Scheme 2023. Collection method: clinical testing. Allele origin: germline.